The following is an entry in ClinVar:

ClinVar aggregate classification (germline): Likely benign (1 of 4 stars; one submission).

Allele frequency attached by ClinVar (database versions not stated): ESP Exome Variant Server 0.00164; 1000 Genomes Project 0.00324; 1000 Genomes Project 30x 0.00375.
gnomAD v4.1: 604 of 395,730 alleles (0.15%); highest among the groups gnomAD compares: Middle Eastern, 2.1%; no homozygotes.

Submission:

CeGaT Center for Human Genetics Tuebingen
Classification: Likely benign. Last evaluated: 2023-10-01. Review status: criteria provided, single submitter. Criteria: CeGaT Center For Human Genetics Tuebingen Variant Classification Criteria Version 2. Collection method: clinical testing. Allele origin: germline. Affected: yes. Observed: 1 variant allele.
Comment: TBL1Y: BS2

NM_033284.2(TBL1Y):c.224G>T (p.Ser75Ile)

Genes: TBL1Y (transducin beta like 1 Y-linked; plus strand), LOC126057105 (P300/CBP strongly-dependent group 1 enhancer GRCh37_chrY:6931456-6932655; plus strand). Cytogenetic location: Yp11.2.
Variant type: single nucleotide variant.
Coding change: c.224G>T on transcript NM_033284.2 (MANE Select); coding-DNA position 224, G replaced by T.
Protein change: p.Ser75Ile; replaces serine 75 with isoleucine.
Molecular consequence: missense variant.
Genome position (GRCh38, 1-based): chrY:7,063,916, G>T. VCF-style: chrY-7063916-G-T. GRCh37 (hg19) VCF-style: chrY-6931957-G-T.
Other names: c.224G>T, p.Ser75Ile (NM_134258.2, NM_134259.2); short protein forms S75I.
Identifiers: ClinVar variation 2661885 (VCV002661885.24), dbSNP rs200332530, ClinGen allele CA10572040.